The following is an entry in ClinVar:

ClinVar aggregate classification (germline): Conflicting classifications of pathogenicity. Review status: criteria provided, conflicting classifications (1 of 4 stars). 2 submissions from 2 submitters: Uncertain significance (1); Likely benign (1). Last evaluated 2025-04-09.

Conditions:
Cardiovascular phenotype. Identifiers: MedGen CN230736.

gnomAD v4.1: 17 of 1,613,984 alleles (0.0011%); highest among the groups gnomAD compares: Admixed American, 0.0067%; no homozygotes.

Submissions (2):

Molecular Diagnostic Laboratory for Inherited Cardiovascular Disease, Montreal Heart Institute
Classification: Likely benign. Last evaluated: 2025-04-09. Review status: criteria provided, single submitter. Criteria: ACMG Guidelines, 2015. Collection method: clinical testing. Allele origin: germline. Affected: no.

Ambry Genetics
Classification: Uncertain significance for Cardiovascular phenotype. Last evaluated: 2018-12-18. Review status: criteria provided, single submitter. Criteria: Ambry Variant Classification Scheme 2023. Collection method: clinical testing. Allele origin: germline.
Comment: The p.T24S variant (also known as c.71C>G), located in coding exon 1 of the TTN gene, results from a C to G substitution at nucleotide position 71. The threonine at codon 24 is replaced by serine, an amino acid with similar properties. This amino acid position is highly conserved in available vertebrate species. In addition, the in silico prediction for this alteration is inconclusive. Since supporting evidence is limited at this time, the clinical significance of this alteration remains unclear.

NM_001267550.2(TTN):c.71C>G (p.Thr24Ser)

Gene: TTN (titin; minus strand). Cytogenetic location: 2q31.2.
Variant type: single nucleotide variant.
Coding change: c.71C>G on transcript NM_001267550.2 (MANE Select); coding-DNA position 71, C replaced by G.
Protein change: p.Thr24Ser; replaces threonine 24 with serine.
Molecular consequence: missense variant.
Genome position (GRCh38, 1-based): chr2:178,804,572, G>C on the plus strand (C>G on the coding strand, the complement: TTN is on the minus strand). VCF-style: chr2-178804572-G-C. GRCh37 (hg19) VCF-style: chr2-179669299-G-C.
Other names: c.71C>G, p.Thr24Ser (NM_001256850.1, NM_003319.4, NM_133378.4 and 3 more transcripts); short protein forms T24S.
Identifiers: ClinVar variation 1757648 (VCV001757648.3), dbSNP rs536235994, ClinGen allele CA2006437.